The following is an entry in ClinVar:

ClinVar aggregate classification (germline): Uncertain significance (1 of 4 stars; one submission).

gnomAD v4.1: 1 of 1,560,606 alleles (0.000064%); highest among the groups gnomAD compares: Non-Finnish European, 0.000087%; no homozygotes.

Submission:

Ambry Genetics
Classification: Uncertain significance. Last evaluated: 2024-02-22. Review status: criteria provided, single submitter. Criteria: Ambry Variant Classification Scheme 2023. Collection method: clinical testing. Allele origin: germline.
Comment: The p.Y99C variant (also known as c.296A>G), located in coding exon 1 of the TERF2IP gene, results from an A to G substitution at nucleotide position 296. The tyrosine at codon 99 is replaced by cysteine, an amino acid with highly dissimilar properties. This amino acid position is conserved. In addition, this alteration is predicted to be deleterious by in silico analysis. Since supporting evidence is limited at this time, the clinical significance of this alteration remains unclear.

NM_018975.4(TERF2IP):c.296A>G (p.Tyr99Cys)

Gene: TERF2IP (TERF2 interacting protein; plus strand). Cytogenetic location: 16q23.1.
Variant type: single nucleotide variant.
Coding change: c.296A>G on transcript NM_018975.4 (MANE Select); coding-DNA position 296, A replaced by G.
Protein change: p.Tyr99Cys; replaces tyrosine 99 with cysteine.
Molecular consequence: missense variant. On other transcripts: non-coding transcript variant (1).
Genome position (GRCh38, 1-based): chr16:75,648,178, A>G. VCF-style: chr16-75648178-A-G. GRCh37 (hg19) VCF-style: chr16-75682076-A-G.
Other names: short protein forms Y99C.
Identifiers: ClinVar variation 1798255 (VCV001798255.2), dbSNP rs2507073451, ClinGen allele CA396817621.